The following is an entry in ClinVar:

NM_173076.3(ABCA12):c.2592+1G>A

Gene: ABCA12 (ATP binding cassette subfamily A member 12; minus strand). Cytogenetic location: 2q35.
Variant type: single nucleotide variant.
Coding change: c.2592+1G>A on transcript NM_173076.3 (MANE Select); the canonical splice donor site of the intron after coding-DNA position 2592, G replaced by A.
Molecular consequence: splice donor variant.
Genome position (GRCh38, 1-based): chr2:215,007,726, C>T on the plus strand (G>A on the coding strand, the complement: ABCA12 is on the minus strand). VCF-style: chr2-215007726-C-T. GRCh37 (hg19) VCF-style: chr2-215872450-C-T.
Other names: c.1638+1G>A (NM_015657.4).
Identifiers: ClinVar variation 2837660 (VCV002837660.5), dbSNP rs2469305888, ClinGen allele CA350481178.

ClinVar aggregate classification (germline): Likely pathogenic. Review status: criteria provided, multiple submitters, no conflicts (2 of 4 stars). 3 submissions from 3 submitters: Likely pathogenic (3). Last evaluated 2026-02-24.

Conditions:
Lamellar ichthyosis. Identifiers: Orphanet 313, MedGen C5848247, MONDO:0017778.

Allele frequency attached by ClinVar (database versions not stated): gnomAD exomes below 0.00001.
gnomAD v4.1: 3 of 1,613,880 alleles (0.00019%); highest among the groups gnomAD compares: Non-Finnish European, 0.00025%; no homozygotes.

Submissions (3):

Women's Health and Genetics/Laboratory Corporation of America, LabCorp
Classification: Likely pathogenic for Lamellar ichthyosis. Last evaluated: 2026-02-24. Review status: criteria provided, single submitter. Criteria: LabCorp Variant Classification Summary - May 2015. Collection method: clinical testing. Allele origin: germline.
Comment: Variant summary: ABCA12 c.2592+1G>A is located in a canonical splice-site and is predicted to affect mRNA splicing resulting in a significantly altered protein due to either exon skipping, shortening, or inclusion of intronic material. Variants that disrupt the consensus splice site are a relatively common cause of aberrant splicing and loss of ABCA12 function. Several computational tools predict a significant impact on normal splicing: Four predict the variant abolishes a 5' splicing donor site. However, these predictions have yet to be confirmed by functional studies. The variant was absent in 251254 control chromosomes. c.2592+1G>A has been observed in an individual affected with ichthyosis (Sun_2022). This report does not provide unequivocal conclusions about association of the variant with Lamellar Ichthyosis. To our knowledge, no experimental evidence demonstrating an impact on protein function has been reported. The following publication has been ascertained in the context of this evaluation (PMID: 34851365). ClinVar contains an entry for this variant (Variation ID: 2837660). Based on the evidence outlined above, the variant was classified as likely pathogenic.

GeneDx
Classification: Likely pathogenic. Last evaluated: 2026-01-20. Review status: criteria provided, single submitter. Criteria: GeneDx Variant Classification Process June 2021. Collection method: clinical testing. Allele origin: germline.
Comment: Identified in a patient with ichthyosis in published literature (PMID: 34851365); Canonical splice site variant predicted to result in an in-frame loss of the adjacent exon in a gene for which loss of function is a known mechanism of disease; Not observed at significant frequency in large population cohorts (gnomAD); This variant is associated with the following publications: (PMID: 34851365)

Labcorp Genetics (formerly Invitae), Labcorp
Classification: Likely pathogenic. Last evaluated: 2023-02-15. Review status: criteria provided, single submitter. Criteria: Invitae Variant Classification Sherloc (09022015). Collection method: clinical testing. Allele origin: germline.
Comment: This sequence change affects a donor splice site in intron 19 of the ABCA12 gene. It is expected to disrupt RNA splicing. Variants that disrupt the donor or acceptor splice site typically lead to a loss of protein function (PMID: 16199547), and loss-of-function variants in ABCA12 are known to be pathogenic (PMID: 20672373). This variant is not present in population databases (gnomAD no frequency). This variant has not been reported in the literature in individuals affected with ABCA12-related conditions. Algorithms developed to predict the effect of sequence changes on RNA splicing suggest that this variant may disrupt the consensus splice site. In summary, the currently available evidence indicates that the variant is pathogenic, but additional data are needed to prove that conclusively. Therefore, this variant has been classified as Likely Pathogenic.

Literature cited by the submitters: PubMed 34851365 (cited by Women's Health and Genetics/Laboratory Corporation of America, LabCorp); PubMed 16199547 (cited by Labcorp Genetics (formerly Invitae), Labcorp); PubMed 20672373 (cited by Labcorp Genetics (formerly Invitae), Labcorp).